The following is an entry in ClinVar:

ClinVar aggregate classification (germline): Uncertain significance. Review status: criteria provided, multiple submitters, no conflicts (2 of 4 stars). 2 submissions from 2 submitters: Uncertain significance (2). Last evaluated 2024-08-05.

Allele frequency attached by ClinVar (database versions not stated): ExAC 0.00002; gnomAD exomes 0.00002; TOPMed 0.00002.

Submissions (2):

Labcorp Genetics (formerly Invitae), Labcorp
Classification: Uncertain significance. Last evaluated: 2024-08-05. Review status: criteria provided, single submitter. Criteria: Invitae Variant Classification Sherloc (09022015). Collection method: clinical testing. Allele origin: germline.
Comment: This sequence change replaces leucine, which is neutral and non-polar, with valine, which is neutral and non-polar, at codon 169 of the RBP3 protein (p.Leu169Val). This variant is present in population databases (rs782586204, gnomAD 0.01%). This variant has not been reported in the literature in individuals affected with RBP3-related conditions. ClinVar contains an entry for this variant (Variation ID: 958708). An algorithm developed to predict the effect of missense changes on protein structure and function (PolyPhen-2) suggests that this variant is likely to be disruptive. In summary, the available evidence is currently insufficient to determine the role of this variant in disease. Therefore, it has been classified as a Variant of Uncertain Significance.

Blueprint Genetics
Classification: Uncertain significance. Last evaluated: 2019-11-26. Review status: criteria provided, single submitter. Criteria: ACMG Guidelines, 2015. Collection method: clinical testing. Allele origin: germline.

NM_002900.3(RBP3):c.505C>G (p.Leu169Val)

Gene: RBP3 (retinol binding protein 3; plus strand). Cytogenetic location: 10q11.22.
Variant type: single nucleotide variant.
Coding change: c.505C>G on transcript NM_002900.3 (MANE Select); coding-DNA position 505, C replaced by G.
Protein change: p.Leu169Val; replaces leucine 169 with valine.
Molecular consequence: missense variant.
Genome position (GRCh38, 1-based): chr10:47,348,989, C>G. VCF-style: chr10-47348989-C-G. GRCh37 (hg19) VCF-style: chr10-48390373-G-C.
Other names: short protein forms L169V.
Identifiers: ClinVar variation 958708 (VCV000958708.10), dbSNP rs782586204, ClinGen allele CA5487772.